The following is an entry in ClinVar:

NM_144687.4(NLRP12):c.25G>A (p.Gly9Ser)

Gene: NLRP12 (NLR family pyrin domain containing 12; minus strand). Cytogenetic location: 19q13.42.
Variant type: single nucleotide variant.
Coding change: c.25G>A on transcript NM_144687.4 (MANE Select); coding-DNA position 25, G replaced by A.
Protein change: p.Gly9Ser; replaces glycine 9 with serine.
Molecular consequence: missense variant.
Genome position (GRCh38, 1-based): chr19:53,824,150, C>T on the plus strand (G>A on the coding strand, the complement: NLRP12 is on the minus strand). VCF-style: chr19-53824150-C-T. GRCh37 (hg19) VCF-style: chr19-54327404-C-T.
Other names: c.25G>A, p.Gly9Ser (NM_001277126.2, NM_001277129.1); short protein forms G9S.
Identifiers: ClinVar variation 1060020 (VCV001060020.9), dbSNP rs762604819, ClinGen allele CA9639858.
Genomic context (GRCh38, chr19:53,824,150, plus strand): 5'-TGAACTTCTTCAGTTCCACAGCCTCGAGTTCTTCCAAGTAGGTGGACAGGCGACAGAGGC[C>T]GTCCCTGCCTGCGGTTCGTAGCATGGGGGTGCCGTGAGCCCCAAAGGAGAGGACCTGGAG-3'
Protein context (NP_653288.1, residues 1-19): MLRTAGRD[Gly9Ser]LCRLSTYLEE

ClinVar aggregate classification (germline): Uncertain significance (1 of 4 stars; one submission).

Conditions:
Familial cold autoinflammatory syndrome 2 (FCAS2). Identifiers: Orphanet 247868, MedGen C2673198, MONDO:0012724, OMIM 611762.

Allele frequency attached by ClinVar (database versions not stated): gnomAD exomes 0.00001 and 0.00002; ExAC 0.00002; gnomAD 0.00002 and 0.00003; TOPMed 0.00002.
gnomAD v4.1: 38 of 1,614,060 alleles (0.0024%); highest among the groups gnomAD compares: East Asian, 0.049%; no homozygotes.

Submission:

Labcorp Genetics (formerly Invitae), Labcorp
Classification: Uncertain significance for Familial cold autoinflammatory syndrome 2. Last evaluated: 2026-01-20. Review status: criteria provided, single submitter. Criteria: Invitae Variant Classification Sherloc (09022015). Collection method: clinical testing. Allele origin: germline.
Comment: This sequence change replaces glycine, which is neutral and non-polar, with serine, which is neutral and polar, at codon 9 of the NLRP12 protein (p.Gly9Ser). This variant is present in population databases (rs762604819, gnomAD 0.01%). This missense change has been observed in individual(s) with polymyalgia rheumatica (PMID: 38177227). ClinVar contains an entry for this variant (Variation ID: 1060020). An algorithm developed to predict the effect of missense changes on protein structure and function (PolyPhen-2) suggests that this variant is likely to be tolerated. In summary, the available evidence is currently insufficient to determine the role of this variant in disease. Therefore, it has been classified as a Variant of Uncertain Significance.

Literature cited by the submitters: PubMed 38177227.